The following is an entry in ClinVar:

NM_000260.4(MYO7A):c.6049C>T (p.Gln2017Ter)

Gene: MYO7A (myosin VIIA; plus strand). Cytogenetic location: 11q13.5.
Variant type: single nucleotide variant.
Coding change: c.6049C>T on transcript NM_000260.4 (MANE Select); coding-DNA position 6049, C replaced by T.
Protein change: p.Gln2017Ter; replaces glutamine 2017 with a stop codon.
Molecular consequence: nonsense.
Genome position (GRCh38, 1-based): chr11:77,208,801, C>T. VCF-style: chr11-77208801-C-T. GRCh37 (hg19) VCF-style: chr11-76919846-C-T.
Other names: c.5935C>T, p.Gln1979Ter (NM_001127180.2); c.5902C>T, p.Gln1968Ter (NM_001369365.1); short protein forms Q2017*, Q1979*, Q1968*.
Identifiers: ClinVar variation 1459738 (VCV001459738.8), dbSNP rs2135762199, ClinGen allele CA381934766.

ClinVar aggregate classification (germline): Pathogenic/Likely pathogenic. Review status: criteria provided, multiple submitters, no conflicts (2 of 4 stars). 2 submissions from 2 submitters: Pathogenic (1); Likely pathogenic (1). Last evaluated 2022-07-26.

Conditions:
Autosomal recessive nonsyndromic hearing loss 2. Also called: DEAFNESS, AUTOSOMAL RECESSIVE 2; NEUROSENSORY NONSYNDROMIC RECESSIVE DEAFNESS 2. Identifiers: Orphanet 90636, MedGen C1838701, MONDO:0010807, OMIM 600060.
Usher syndrome type 1 (USH1). Also called: RETINITIS PIGMENTOSA AND CONGENITAL DEAFNESS. Identifiers: Orphanet 231169, Orphanet 886, MedGen C1568247, MONDO:0010168, OMIM 276900.

Submissions (2):

Labcorp Genetics (formerly Invitae), Labcorp
Classification: Pathogenic. Last evaluated: 2022-07-26. Review status: criteria provided, single submitter. Criteria: Invitae Variant Classification Sherloc (09022015). Collection method: clinical testing. Allele origin: germline.
Comment: ClinVar contains an entry for this variant (Variation ID: 1459738). For these reasons, this variant has been classified as Pathogenic. This premature translational stop signal has been observed in individual(s) with autosomal recessive deafness (PMID: 23767834). This variant is not present in population databases (gnomAD no frequency). This sequence change creates a premature translational stop signal (p.Gln2017*) in the MYO7A gene. It is expected to result in an absent or disrupted protein product. Loss-of-function variants in MYO7A are known to be pathogenic (PMID: 8900236, 25404053).

Juno Genomics, Hangzhou Juno Genomics, Inc
Classification: Likely pathogenic for Autosomal recessive nonsyndromic hearing loss 2; Usher syndrome type 1. Review status: criteria provided, single submitter. Criteria: ACMG Guidelines, 2015. Collection method: clinical testing. Allele origin: germline.
Comment: Null variant in a gene where loss of function (LOF) is a known mechanism of disease.;Absent from controls (or at extremely low frequency if recessive) in Genome Aggregation Database.

Literature cited by the submitters: PubMed 23767834 (cited by Labcorp Genetics (formerly Invitae), Labcorp); PubMed 8900236 (cited by Labcorp Genetics (formerly Invitae), Labcorp); PubMed 25404053 (cited by Labcorp Genetics (formerly Invitae), Labcorp).